The following is an entry in ClinVar:

NM_001303256.3(MORC2):c.848G>A (p.Arg283His)

Gene: MORC2 (MORC family CW-type zinc finger 2; minus strand). Cytogenetic location: 22q12.2.
Variant type: single nucleotide variant.
Coding change: c.848G>A on transcript NM_001303256.3 (MANE Select); coding-DNA position 848, G replaced by A.
Protein change: p.Arg283His; replaces arginine 283 with histidine.
Molecular consequence: missense variant.
Genome position (GRCh38, 1-based): chr22:30,940,814, C>T on the plus strand (G>A on the coding strand, the complement: MORC2 is on the minus strand). VCF-style: chr22-30940814-C-T. GRCh37 (hg19) VCF-style: chr22-31336801-C-T.
Other names: c.848G>A, p.Arg283His (NM_001303257.2); c.662G>A, p.Arg221His (NM_014941.3); short protein forms R283H, R221H.
Identifiers: ClinVar variation 951841 (VCV000951841.5), dbSNP rs1482880426, ClinGen allele CA411240865.
Genomic context (GRCh38, chr22:30,940,814, plus strand): 5'-TTACCAATCCTTGCTACGTGCTCTGCTTTCTTCACCTCCTGCTCCGCACGGGTCTTGAAA[C>T]GGCTTGACGTGTACTTGTACATCCTGATCAGTAGAAAAAGCAAGCTGATGGCCCACGCAG-3'
Protein context (NP_001290185.1, residues 273-293): KPRMYKYTSS[Arg283His]FKTRAEQEVK

ClinVar aggregate classification (germline): Uncertain significance. Review status: criteria provided, multiple submitters, no conflicts (2 of 4 stars). 2 submissions from 2 submitters: Uncertain significance (2). Last evaluated 2025-11-23.

Conditions:
Charcot-Marie-Tooth disease axonal type 2Z. Also called: CHARCOT-MARIE-TOOTH DISEASE, AXONAL, AUTOSOMAL DOMINANT, TYPE 2Z; CHARCOT-MARIE-TOOTH NEUROPATHY, TYPE 2Z. Identifiers: Orphanet 466768, MedGen C5569025, MONDO:0014736, OMIM 616688.

Allele frequency attached by ClinVar (database versions not stated): gnomAD exomes 0.00001 and 0.00003; gnomAD 0.00002 and 0.00003; TOPMed 0.00002.
gnomAD v4.1: 43 of 1,613,970 alleles (0.0027%); highest among the groups gnomAD compares: East Asian, 0.018%; no homozygotes.

Submissions (2):

Labcorp Genetics (formerly Invitae), Labcorp
Classification: Uncertain significance for Charcot-Marie-Tooth disease axonal type 2Z. Last evaluated: 2025-11-23. Review status: criteria provided, single submitter. Criteria: Invitae Variant Classification Sherloc (09022015). Collection method: clinical testing. Allele origin: germline.
Comment: This sequence change replaces arginine, which is basic and polar, with histidine, which is basic and polar, at codon 283 of the MORC2 protein (p.Arg283His). The frequency data for this variant in the population databases is considered unreliable, as metrics indicate poor data quality at this position in the gnomAD database. This missense change has been observed in individual(s) with Charcot-Marie-Tooth disease, type 2 (PMID: 26659848). ClinVar contains an entry for this variant (Variation ID: 951841). Invitae Evidence Modeling of protein sequence and biophysical properties (such as structural, functional, and spatial information, amino acid conservation, physicochemical variation, residue mobility, and thermodynamic stability) indicates that this missense variant is expected to disrupt MORC2 protein function with a positive predictive value of 95%. In summary, the available evidence is currently insufficient to determine the role of this variant in disease. Therefore, it has been classified as a Variant of Uncertain Significance.

ARUP Laboratories, Molecular Genetics and Genomics, ARUP Laboratories
Classification: Uncertain significance. Last evaluated: 2023-09-26. Review status: criteria provided, single submitter. Criteria: ARUP Molecular Germline Variant Investigation Process 2024. Collection method: clinical testing. Allele origin: germline.
Comment: The MORC2 c.848G>A; p.Arg283His variant (rs1482880426) is reported in the literature in a family affected with Charcot–Marie–Tooth disease type 2, but failed to segregate with disease (Albulym 2016). This variant is also reported in ClinVar (Variation ID: 951841) and is only observed on one allele in the Genome Aggregation Database, indicating it is not a common polymorphism. Computational analyses are uncertain whether this variant is neutral or deleterious (REVEL: 0.34). Due to limited information, the clinical significance of this variant is uncertain at this time. References: Albulym OM et al. MORC2 mutations cause axonal Charcot-Marie-Tooth disease with pyramidal signs. Ann Neurol. 2016 Mar;79(3):419-27. PMID: 26659848.

Literature cited by the submitters: PubMed 26659848 (cited by Labcorp Genetics (formerly Invitae), Labcorp).